The following is an entry in ClinVar:

NM_001845.6(COL4A1):c.2050G>A (p.Val684Met)

Gene: COL4A1 (collagen type IV alpha 1 chain; minus strand). Cytogenetic location: 13q34.
Variant type: single nucleotide variant.
Coding change: c.2050G>A on transcript NM_001845.6 (MANE Select); coding-DNA position 2050, G replaced by A.
Protein change: p.Val684Met; replaces valine 684 with methionine.
Molecular consequence: missense variant.
Genome position (GRCh38, 1-based): chr13:110,183,038, C>T on the plus strand (G>A on the coding strand, the complement: COL4A1 is on the minus strand). VCF-style: chr13-110183038-C-T. GRCh37 (hg19) VCF-style: chr13-110835385-C-T.
Other names: short protein forms V684M.
Identifiers: ClinVar variation 4056065 (VCV004056065.1).

ClinVar aggregate classification (germline): Uncertain significance (1 of 4 stars; one submission).

Submission:

GeneDx
Classification: Uncertain significance. Last evaluated: 2025-01-07. Review status: criteria provided, single submitter. Criteria: GeneDx Variant Classification Process June 2021. Collection method: clinical testing. Allele origin: germline. Affected: yes.
Comment: Not observed at significant frequency in large population cohorts (gnomAD); In silico analysis indicates that this missense variant does not alter protein structure/function; Occurs in the triple helical domain at the Y position in the canonical Gly-X-Y repeat; although this variant may have an effect on normal protein folding and function, missense substitution at the Y position is not a common mechanism of disease; Has not been previously published as pathogenic or benign to our knowledge